The following is an entry in ClinVar:

NM_000342.4(SLC4A1):c.2423G>A (p.Arg808His)

Gene: SLC4A1 (solute carrier family 4 member 1 (Diego blood group); minus strand). Cytogenetic location: 17q21.31.
Variant type: single nucleotide variant.
Coding change: c.2423G>A on transcript NM_000342.4 (MANE Select); coding-DNA position 2423, G replaced by A.
Protein change: p.Arg808His; replaces arginine 808 with histidine.
Molecular consequence: missense variant.
Genome position (GRCh38, 1-based): chr17:44,251,477, C>T on the plus strand (G>A on the coding strand, the complement: SLC4A1 is on the minus strand). VCF-style: chr17-44251477-C-T. GRCh37 (hg19) VCF-style: chr17-42328845-C-T.
Other names: short protein forms R808H.
Identifiers: ClinVar variation 544809 (VCV000544809.53), dbSNP rs866727908, ClinGen allele CA290925289.

ClinVar aggregate classification (germline): Pathogenic/Likely pathogenic. Review status: criteria provided, multiple submitters, no conflicts (2 of 4 stars). 8 submissions from 7 submitters: Pathogenic (7); Likely pathogenic (1). Last evaluated 2026-02-01.

Conditions:
Hereditary spherocytosis type 4. Also called: SLC4A1-Related Spherocytosis. Identifiers: Orphanet 822, MedGen C2675212, MONDO:0012981, OMIM 612653.
Autosomal dominant distal renal tubular acidosis (DRTA1). Also called: Renal Tubular Acidosis, Type I; RTA, CLASSIC TYPE; RTA, DISTAL TYPE, AUTOSOMAL DOMINANT; RTA, GRADIENT TYPE; RENAL TUBULAR ACIDOSIS, DISTAL, 1. Identifiers: Orphanet 93608, MedGen CN280572, MONDO:0008368, OMIM 179800.
SLC4A1-related disorder. Also called: SLC4A1-related condition; SLC4A1-related disorders.

Allele frequency attached by ClinVar (database versions not stated): gnomAD exomes below 0.00001.

Submissions (8):

CeGaT Center for Human Genetics Tuebingen
Classification: Pathogenic. Last evaluated: 2026-02-01. Review status: criteria provided, single submitter. Criteria: CeGaT Center For Human Genetics Tuebingen Variant Classification Criteria Version 2. Collection method: clinical testing. Allele origin: germline. Affected: yes. Observed: 2 variant alleles.
Comment: SLC4A1: PM6:Strong, PM2, PM5, PS4:Moderate, PS3:Supporting

Labcorp Genetics (formerly Invitae), Labcorp
Classification: Pathogenic. Last evaluated: 2026-01-27. Review status: criteria provided, single submitter. Criteria: Invitae Variant Classification Sherloc (09022015). Collection method: clinical testing. Allele origin: germline.
Comment: This sequence change replaces arginine, which is basic and polar, with histidine, which is basic and polar, at codon 808 of the SLC4A1 protein (p.Arg808His). This variant is not present in population databases (gnomAD no frequency). This missense change has been observed in individual(s) with hereditary spherocytosis (PMID: 10745622). In at least one individual the variant was observed to be de novo. ClinVar contains an entry for this variant (Variation ID: 544809). Invitae Evidence Modeling of protein sequence and biophysical properties (such as structural, functional, and spatial information, amino acid conservation, physicochemical variation, residue mobility, and thermodynamic stability) indicates that this missense variant is expected to disrupt SLC4A1 protein function with a positive predictive value of 80%. This variant disrupts the p.Arg808 amino acid residue in SLC4A1. Other variant(s) that disrupt this residue have been determined to be pathogenic (PMID: 7530501, 11208088; internal data). This suggests that this residue is clinically significant, and that variants that disrupt this residue are likely to be disease-causing. For these reasons, this variant has been classified as Pathogenic.

GeneDx
Classification: Pathogenic. Last evaluated: 2026-01-05. Review status: criteria provided, single submitter. Criteria: GeneDx Variant Classification Process June 2021. Collection method: clinical testing. Allele origin: germline.
Comment: In silico analysis supports that this missense variant has a deleterious effect on protein structure/function; Not observed at significant frequency in large population cohorts (gnomAD); This variant is associated with the following publications: (PMID: 38556258, 22170767, 10745622, 16914912, 32641076, 33620149, 37280519, 36203343, 36035481, 34093240, 31122244)

Blueprint Genetics
Classification: Pathogenic for SLC4A1-related disorders. Last evaluated: 2023-06-20. Review status: criteria provided, single submitter. Criteria: ACMG Guidelines, 2015. Collection method: clinical testing. Allele origin: germline. Affected: yes. Observed: 2 variant alleles.

Revvity Omics, Revvity
Classification: Pathogenic. Last evaluated: 2023-03-29. Review status: criteria provided, single submitter. Criteria: ACMG Guidelines, 2015. Collection method: clinical testing. Allele origin: germline.

Jiangsu Institute of Hematology, the First Affiliated Hospital of Soochow University
Classification: Pathogenic for Autosomal dominant distal renal tubular acidosis; Hereditary spherocytosis type 4. Last evaluated: 2022-03-01. Review status: criteria provided, single submitter. Criteria: ACMG Guidelines, 2015. Collection method: research. Allele origin: inherited. Affected: yes.

Jiangsu Institute of Hematology, the First Affiliated Hospital of Soochow University
Classification: Pathogenic for Hereditary spherocytosis type 4. Last evaluated: 2022-03-01. Review status: criteria provided, single submitter. Criteria: ACMG Guidelines, 2015. Collection method: research. Allele origin: inherited. Affected: yes.

Department of Genetic, Henri Mondor Hospital, Assistance Publique des Hôpitaux de Paris
Classification: Likely pathogenic for Hereditary spherocytosis type 4. Last evaluated: 2018-02-27. Review status: criteria provided, single submitter. Criteria: ACMG Guidelines, 2015. Collection method: clinical testing. Allele origin: germline. Affected: yes.

Literature cited by the submitters: PubMed 10745622 (cited by Labcorp Genetics (formerly Invitae), Labcorp and Department of Genetic, Henri Mondor Hospital, Assistance Publique des Hôpitaux de Paris); PubMed 7530501 (cited by Labcorp Genetics (formerly Invitae), Labcorp); PubMed 11208088 (cited by Labcorp Genetics (formerly Invitae), Labcorp).